The following is an entry in ClinVar:

NM_000812.4(GABRB1):c.416G>A (p.Arg139Gln)

Gene: GABRB1 (gamma-aminobutyric acid type A receptor subunit beta1; plus strand). Cytogenetic location: 4p12.
Variant type: single nucleotide variant.
Coding change: c.416G>A on transcript NM_000812.4 (MANE Select); coding-DNA position 416, G replaced by A.
Protein change: p.Arg139Gln; replaces arginine 139 with glutamine.
Molecular consequence: missense variant.
Genome position (GRCh38, 1-based): chr4:47,161,424, G>A. VCF-style: chr4-47161424-G-A. GRCh37 (hg19) VCF-style: chr4-47163441-G-A.
Other names: c.416G>A (NM_000812.3); short protein forms R139Q.
Identifiers: ClinVar variation 1402590 (VCV001402590.7), dbSNP rs200428754, ClinGen allele CA2907589.

ClinVar aggregate classification (germline): Uncertain significance. Review status: criteria provided, multiple submitters, no conflicts (2 of 4 stars). 3 submissions from 3 submitters: Uncertain significance (3). Last evaluated 2025-08-13.

Allele frequency attached by ClinVar (database versions not stated): ExAC 0.00001; gnomAD exomes 0.00001 and 0.00004; TOPMed 0.00002; gnomAD 0.00003; 1000 Genomes Project 0.00020; 1000 Genomes Project 30x 0.00031.
gnomAD v4.1: 59 of 1,612,586 alleles (0.0037%); highest among the groups gnomAD compares: Non-Finnish European, 0.0047%; no homozygotes.

Submissions (3):

Ambry Genetics
Classification: Uncertain significance. Last evaluated: 2025-08-13. Review status: criteria provided, single submitter. Criteria: Ambry Variant Classification Scheme 2023. Collection method: clinical testing. Allele origin: germline.

Women's Health and Genetics/Laboratory Corporation of America, LabCorp
Classification: Uncertain significance. Last evaluated: 2025-05-28. Review status: criteria provided, single submitter. Criteria: LabCorp Variant Classification Summary - May 2015. Collection method: clinical testing. Allele origin: germline.
Comment: Variant summary: GABRB1 c.416G>A (p.Arg139Gln) results in a conservative amino acid change in the encoded protein sequence. Algorithms developed to predict the effect of missense changes on protein structure and function are either unavailable or do not agree on the potential impact of this missense change. The variant allele was found at a frequency of 1.2e-05 in 250846 control chromosomes. The available data on variant occurrences in the general population are insufficient to allow any conclusion about variant significance. To our knowledge, no occurrence of c.416G>A in individuals affected with Developmental And Epileptic Encephalopathy, 45 and no experimental evidence demonstrating its impact on protein function have been reported. ClinVar contains an entry for this variant (Variation ID: 1402590). Based on the evidence outlined above, the variant was classified as uncertain significance.

Labcorp Genetics (formerly Invitae), Labcorp
Classification: Uncertain significance. Last evaluated: 2024-03-26. Review status: criteria provided, single submitter. Criteria: Invitae Variant Classification Sherloc (09022015). Collection method: clinical testing. Allele origin: germline.
Comment: This sequence change replaces arginine, which is basic and polar, with glutamine, which is neutral and polar, at codon 139 of the GABRB1 protein (p.Arg139Gln). This variant is present in population databases (rs200428754, gnomAD 0.002%). This variant has not been reported in the literature in individuals affected with GABRB1-related conditions. ClinVar contains an entry for this variant (Variation ID: 1402590). Advanced modeling of protein sequence and biophysical properties (such as structural, functional, and spatial information, amino acid conservation, physicochemical variation, residue mobility, and thermodynamic stability) performed at Invitae indicates that this missense variant is not expected to disrupt GABRB1 protein function with a negative predictive value of 80%. In summary, the available evidence is currently insufficient to determine the role of this variant in disease. Therefore, it has been classified as a Variant of Uncertain Significance.